The following is an entry in ClinVar:

NM_000355.4(TCN2):c.623G>A (p.Arg208His)

Gene: TCN2 (transcobalamin 2; plus strand). Cytogenetic location: 22q12.2.
Variant type: single nucleotide variant.
Coding change: c.623G>A on transcript NM_000355.4 (MANE Select); coding-DNA position 623, G replaced by A.
Protein change: p.Arg208His; replaces arginine 208 with histidine.
Molecular consequence: missense variant.
Genome position (GRCh38, 1-based): chr22:30,615,343, G>A. VCF-style: chr22-30615343-G-A. GRCh37 (hg19) VCF-style: chr22-31011330-G-A.
Other names: c.542G>A, p.Arg181His (NM_001184726.2); short protein forms R208H, R181H.
Identifiers: ClinVar variation 738878 (VCV000738878.17), dbSNP rs150472705, ClinGen allele CA10184755.

ClinVar aggregate classification (germline): Benign/Likely benign. Review status: criteria provided, multiple submitters, no conflicts (2 of 4 stars). 5 submissions from 5 submitters: Benign (1); Likely benign (3). 1 of the submissions does not count toward it. Last evaluated 2026-01-21.

Conditions:
TCN2-related disorder. Also called: TCN2-related condition.
Transcobalamin II deficiency (TCN2D). Also called: TC II DEFICIENCY; TCN2 DEFICIENCY; Transcolabamin II deficiency. Identifiers: Orphanet 859, MedGen C0342701, MONDO:0010149, OMIM 275350.

Allele frequency attached by ClinVar (database versions not stated): gnomAD exomes 0.00018 and 0.00038; ExAC 0.00051; ESP Exome Variant Server 0.00138; gnomAD 0.00145 and 0.00154; TOPMed 0.00176; 1000 Genomes Project 30x 0.00187; 1000 Genomes Project 0.00220.

Submissions (5):

Labcorp Genetics (formerly Invitae), Labcorp
Classification: Benign for Transcobalamin II deficiency. Last evaluated: 2026-01-21. Review status: criteria provided, single submitter. Criteria: Invitae Variant Classification Sherloc (09022015). Collection method: clinical testing. Allele origin: germline.

Blueprint Genetics
Classification: Likely benign. Last evaluated: 2024-09-04. Review status: criteria provided, single submitter. Criteria: ACMG Guidelines, 2015. Collection method: clinical testing. Allele origin: germline.

Illumina Laboratory Services, Illumina
Classification: Likely benign for Transcobalamin II deficiency. Last evaluated: 2018-01-13. Review status: criteria provided, single submitter. Criteria: ICSL Variant Classification Criteria 13 December 2019. Collection method: clinical testing. Allele origin: germline.
Comment: This variant was observed in the ICSL laboratory as part of a predisposition screen in an ostensibly healthy population. It had not been previously curated by ICSL or reported in the Human Gene Mutation Database (HGMD: prior to June 1st, 2018), and was therefore a candidate for classification through an automated scoring system. Utilizing variant allele frequency, disease prevalence and penetrance estimates, and inheritance mode, an automated score was calculated to assess if this variant is too frequent to cause the disease. Based on the score and internal cut-off values, a variant classified as likely benign is not then subjected to further curation. The score for this variant resulted in a classification of likely benign for this disease.

Breakthrough Genomics
Classification: Likely benign. Review status: criteria provided, single submitter. Criteria: ACMG Guidelines, 2015. Collection method: not provided. Allele origin: germline. Inheritance: Autosomal recessive inheritance. Affected: yes.

PreventionGenetics, part of Exact Sciences
Classification: Likely benign for TCN2-related condition. Last evaluated: 2019-08-06. Review status: no assertion criteria provided. Collection method: clinical testing. Allele origin: germline. Not counted in ClinVar's aggregate classification.
Comment: This variant is classified as likely benign based on ACMG/AMP sequence variant interpretation guidelines (Richards et al. 2015 PMID: 25741868, with internal and published modifications).